The following is an entry in ClinVar:

NM_001001710.3(CIMIP2A):c.245C>T (p.Thr82Met)

Gene: CIMIP2A (ciliary microtubule inner protein 2A; minus strand). Cytogenetic location: 9q34.3.
Variant type: single nucleotide variant.
Coding change: c.245C>T on transcript NM_001001710.3 (MANE Select); coding-DNA position 245, C replaced by T.
Protein change: p.Thr82Met; replaces threonine 82 with methionine.
Molecular consequence: missense variant.
Genome position (GRCh38, 1-based): chr9:137,245,665, G>A on the plus strand (C>T on the coding strand, the complement: CIMIP2A is on the minus strand). VCF-style: chr9-137245665-G-A. GRCh37 (hg19) VCF-style: chr9-140140117-G-A.
Other names: short protein forms T82M.
Identifiers: ClinVar variation 3257588 (VCV003257588.17).

ClinVar aggregate classification (germline): Benign (1 of 4 stars; one submission).

gnomAD v4.1: 19,074 of 1,606,234 alleles (1.2%); highest among the groups gnomAD compares: Middle Eastern, 4.4%; 138 homozygotes.

Submission:

CeGaT Center for Human Genetics Tuebingen
Classification: Benign. Last evaluated: 2024-07-01. Review status: criteria provided, single submitter. Criteria: CeGaT Center For Human Genetics Tuebingen Variant Classification Criteria Version 2. Collection method: clinical testing. Allele origin: germline. Affected: yes. Observed: 1 variant allele.
Comment: CIMIP2A: BP4, BS1, BS2